The following is an entry in ClinVar:

NM_001372.4(DNAH9):c.5814G>A (p.Gln1938=)

Gene: DNAH9 (dynein axonemal heavy chain 9; plus strand). Cytogenetic location: 17p12.
Variant type: single nucleotide variant.
Coding change: c.5814G>A on transcript NM_001372.4 (MANE Select); coding-DNA position 5814, G replaced by A.
Protein change: p.Gln1938=; no amino-acid change (glutamine 1938 retained).
Molecular consequence: synonymous variant.
Genome position (GRCh38, 1-based): chr17:11,727,922, G>A. VCF-style: chr17-11727922-G-A. GRCh37 (hg19) VCF-style: chr17-11631239-G-A.
Other names: p.Gln1938=.
Identifiers: ClinVar variation 3380465 (VCV003380465.1).

ClinVar aggregate classification (germline): Uncertain significance (1 of 4 stars; one submission).

gnomAD v4.1: 7 of 1,607,564 alleles (0.00044%); highest among the groups gnomAD compares: Non-Finnish European, 0.00051%; no homozygotes.

Submission:

Mayo Clinic Laboratories, Mayo Clinic
Classification: Uncertain significance. Last evaluated: 2024-05-22. Review status: criteria provided, single submitter. Criteria: ACMG Guidelines, 2015. Collection method: clinical testing. Allele origin: germline. Observed: 1 variant allele.
Comment: PM2